The following is an entry in ClinVar:

ClinVar aggregate classification (germline): Benign (1 of 4 stars; one submission).

Conditions:
Leigh syndrome (NULS). Also called: Leigh's necrotizing encephalopathy; Leigh's disease; Leigh Syndrome (mtDNA deletion); Leigh Disease; Subacute necrotizing encephalopathy; Necrotizing encephalopathy infantile subacute of Leigh. Identifiers: Orphanet 506, MedGen C2931891, MONDO:0009723, OMIM 256000.

Submission:

Wong Mito Lab, Molecular and Human Genetics, Baylor College of Medicine
Classification: Benign for Leigh syndrome. Last evaluated: 2019-10-17. Review status: criteria provided, single submitter. Criteria: Modified ACMG Guidelines (Unpublished). Collection method: clinical testing. Allele origin: germline.
Comment: The NC_012920.1:m.7119G>A (YP_003024028.1:p.Asp406Asn) variant in MTCO1 gene is interpretated to be a Benign variant based on the modified ACMG guidelines (unpublished). This variant meets the following evidence codes: BS1, BS2, BP4

NC_012920.1(MT-CO1):m.7119G>A

Gene: MT-CO1 (mitochondrially encoded cytochrome c oxidase I; plus strand).
Variant type: single nucleotide variant.
Genome position: chrM-7119-G-A.
Identifiers: ClinVar variation 692700 (VCV000692700.1), dbSNP rs1556423235, ClinGen allele CA414791351.
Genomic context (GRCh38, chrMT:7,119, plus strand): 5'-GTATTTGCCATCATAGGAGGCTTCATTCACTGATTTCCCCTATTCTCAGGCTACACCCTA[G>A]ACCAAACCTACGCCAAAATCCATTTCACTATCATATTCATCGGCGTAAATCTAACTTTCT-3'